The following is an entry in ClinVar:

ClinVar aggregate classification (germline): Uncertain significance (1 of 4 stars; one submission).

Conditions:
Chédiak-Higashi syndrome (CHS). Also called: Chediak-Higashi Syndrome. Identifiers: Orphanet 167, MedGen C0007965, MONDO:0008963, OMIM 214500.

Submission:

Labcorp Genetics (formerly Invitae), Labcorp
Classification: Uncertain significance for Chédiak-Higashi syndrome. Last evaluated: 2024-11-11. Review status: criteria provided, single submitter. Criteria: Invitae Variant Classification Sherloc (09022015). Collection method: clinical testing. Allele origin: germline.
Comment: This sequence change replaces asparagine, which is neutral and polar, with threonine, which is neutral and polar, at codon 2468 of the LYST protein (p.Asn2468Thr). This variant is not present in population databases (gnomAD no frequency). This variant has not been reported in the literature in individuals affected with LYST-related conditions. ClinVar contains an entry for this variant (Variation ID: 2058565). Invitae Evidence Modeling of protein sequence and biophysical properties (such as structural, functional, and spatial information, amino acid conservation, physicochemical variation, residue mobility, and thermodynamic stability) has been performed for this missense variant. However, the output from this modeling did not meet the statistical confidence thresholds required to predict the impact of this variant on LYST protein function. In summary, the available evidence is currently insufficient to determine the role of this variant in disease. Therefore, it has been classified as a Variant of Uncertain Significance.

NM_000081.4(LYST):c.7403A>C (p.Asn2468Thr)

Gene: LYST (lysosomal trafficking regulator; minus strand). Cytogenetic location: 1q42.3.
Variant type: single nucleotide variant.
Coding change: c.7403A>C on transcript NM_000081.4 (MANE Select); coding-DNA position 7403, A replaced by C.
Protein change: p.Asn2468Thr; replaces asparagine 2468 with threonine.
Molecular consequence: missense variant.
Genome position (GRCh38, 1-based): chr1:235,753,101, T>G on the plus strand (A>C on the coding strand, the complement: LYST is on the minus strand). VCF-style: chr1-235753101-T-G. GRCh37 (hg19) VCF-style: chr1-235916401-T-G.
Other names: c.7403A>C, p.Asn2468Thr (NM_001301365.1); short protein forms N2468T.
Identifiers: ClinVar variation 2058565 (VCV002058565.4), dbSNP rs2527732826, ClinGen allele CA344931589.